The following is an entry in ClinVar:

ClinVar aggregate classification (germline): Likely benign. Review status: criteria provided, multiple submitters, no conflicts (2 of 4 stars). 4 submissions from 4 submitters: Likely benign (4). Last evaluated 2026-09-01.

Conditions:
Cardiovascular phenotype. Identifiers: MedGen CN230736.

Allele frequency attached by ClinVar (database versions not stated): gnomAD 0.00001; TOPMed 0.00002.
gnomAD v4.1: 13 of 1,549,988 alleles (0.00084%); highest among the groups gnomAD compares: African/African-American, 0.0096%; no homozygotes.

Submissions (4):

CeGaT Center for Human Genetics Tuebingen
Classification: Likely benign. Last evaluated: 2026-09-01. Review status: criteria provided, single submitter. Criteria: CeGaT Center For Human Genetics Tuebingen Variant Classification Criteria Version 2. Collection method: clinical testing. Allele origin: germline. Affected: yes. Observed: 1 variant allele.
Comment: ZNF469: BP4, BP7

Women's Health and Genetics/Laboratory Corporation of America, LabCorp
Classification: Likely benign. Last evaluated: 2026-03-02. Review status: criteria provided, single submitter. Criteria: LabCorp Variant Classification Summary - May 2015. Collection method: clinical testing. Allele origin: germline.

Labcorp Genetics (formerly Invitae), Labcorp
Classification: Likely benign. Last evaluated: 2024-01-24. Review status: criteria provided, single submitter. Criteria: Invitae Variant Classification Sherloc (09022015). Collection method: clinical testing. Allele origin: germline.

Ambry Genetics
Classification: Likely benign for Cardiovascular phenotype. Last evaluated: 2021-06-14. Review status: criteria provided, single submitter. Criteria: Ambry Variant Classification Scheme 2023. Collection method: clinical testing. Allele origin: germline.

NM_001367624.2(ZNF469):c.4266C>T (p.Ala1422=)

Gene: ZNF469 (zinc finger protein 469; plus strand). Cytogenetic location: 16q24.2.
Variant type: single nucleotide variant.
Coding change: c.4266C>T on transcript NM_001367624.2 (MANE Select); coding-DNA position 4266, C replaced by T.
Protein change: p.Ala1422=; no amino-acid change (alanine 1422 retained).
Molecular consequence: synonymous variant.
Genome position (GRCh38, 1-based): chr16:88,431,736, C>T. VCF-style: chr16-88431736-C-T. GRCh37 (hg19) VCF-style: chr16-88498144-C-T.
Other names: NM_001127464.1:c.4182C>T.
Identifiers: ClinVar variation 1738511 (VCV001738511.7), dbSNP rs1402676512, ClinGen allele CA497354787.